The following is an entry in ClinVar:

NM_000093.5(COL5A1):c.2899-261G>A

Gene: COL5A1 (collagen type V alpha 1 chain; plus strand). Cytogenetic location: 9q34.3.
Variant type: single nucleotide variant.
Coding change: c.2899-261G>A on transcript NM_000093.5 (MANE Select); 261 bases into the intron before coding-DNA position 2899, G replaced by A.
Molecular consequence: intron variant.
Genome position (GRCh38, 1-based): chr9:134,798,147, G>A. VCF-style: chr9-134798147-G-A. GRCh37 (hg19) VCF-style: chr9-137689993-G-A.
Other names: NC_000009.11:g.137689993G>A; c.2899-261G>A (NM_001278074.1).
Identifiers: ClinVar variation 671010 (VCV000671010.2), dbSNP rs10776905, ClinGen allele CA13003252.

ClinVar aggregate classification (germline): Benign (1 of 4 stars; one submission).

Allele frequency attached by ClinVar (database versions not stated): 1000 Genomes Project 0.56550; gnomAD 0.51351 and 0.51790; TOPMed 0.51802; 1000 Genomes Project 30x 0.56106.
gnomAD v4.1: 78,487 of 151,970 alleles (52%); highest among the groups gnomAD compares: East Asian, 77%; 20,548 homozygotes.

Submissions (8):

GeneDx
Classification: Benign. Last evaluated: 2018-06-18. Review status: criteria provided, single submitter. Criteria: GeneDx Variant Classification (06012015). Collection method: clinical testing. Allele origin: germline. Affected: yes.
Comment: This variant is considered likely benign or benign based on one or more of the following criteria: it is a conservative change, it occurs at a poorly conserved position in the protein, it is predicted to be benign by multiple in silico algorithms, and/or has population frequency not consistent with disease.

Dr. Peter K. Rogan Lab, Western University
No classification provided (evidence only). Condition: Lung cancer. Review status: no classification provided. Collection method: in vitro. Allele origin: not applicable. Functional consequence: retained intron. Not counted in ClinVar's aggregate classification.

Dr. Peter K. Rogan Lab, Western University
No classification provided (evidence only). Condition: Lung cancer. Review status: no classification provided. Collection method: in vitro. Allele origin: not applicable. Functional consequence: retained intron. Not counted in ClinVar's aggregate classification.

Dr. Peter K. Rogan Lab, Western University
No classification provided (evidence only). Condition: Cholangiocarcinoma. Review status: no classification provided. Collection method: in vitro. Allele origin: not applicable. Functional consequence: retained intron. Not counted in ClinVar's aggregate classification.

Dr. Peter K. Rogan Lab, Western University
No classification provided (evidence only). Condition: Cholangiocarcinoma. Review status: no classification provided. Collection method: in vitro. Allele origin: not applicable. Functional consequence: retained intron. Not counted in ClinVar's aggregate classification.

Dr. Peter K. Rogan Lab, Western University
No classification provided (evidence only). Condition: Gastric cancer. Review status: no classification provided. Collection method: in vitro. Allele origin: not applicable. Functional consequence: retained intron. Not counted in ClinVar's aggregate classification.

Dr. Peter K. Rogan Lab, Western University
No classification provided (evidence only). Condition: Gastric cancer. Review status: no classification provided. Collection method: in vitro. Allele origin: not applicable. Functional consequence: retained intron. Not counted in ClinVar's aggregate classification.

Dr. Peter K. Rogan Lab, Western University
No classification provided (evidence only). Condition: Uterine carcinosarcoma. Review status: no classification provided. Collection method: in vitro. Allele origin: not applicable. Functional consequence: retained intron. Not counted in ClinVar's aggregate classification.